The following is an entry in ClinVar:

NM_014363.6(SACS):c.5301del (p.His1768fs)

Gene: SACS (sacsin molecular chaperone; minus strand). Cytogenetic location: 13q12.12.
Variant type: Deletion.
Coding change: c.5301del on transcript NM_014363.6 (MANE Select); coding-DNA position 5301, one base deleted (T; older notation c.5301delT).
Protein change: p.His1768fs; shifts the reading frame from histidine 1768.
Molecular consequence: frameshift variant.
Genome position (GRCh38, 1-based): chr13:23,338,575, A deleted on the plus strand (T on the coding strand, the reverse complement: SACS is on the minus strand); the first of 3 consecutive A bases (chr13:23,338,575-23,338,577); deleting any one gives the same sequence. VCF-style (leftmost placement, unchanged base first): chr13-23338574-GA-G. GRCh37 (hg19) VCF-style: chr13-23912713-GA-G.
Other names: c.4860del, p.His1621fs (NM_001278055.2); short protein forms H1621fs, H1768fs.
Identifiers: ClinVar variation 2023467 (VCV002023467.4), dbSNP rs2542268724, ClinGen allele CA2580086860.

ClinVar aggregate classification (germline): Pathogenic (1 of 4 stars; one submission).

Conditions:
Spastic paraplegia. Identifiers: MedGen C0037772, HP:0001258.

Submission:

Labcorp Genetics (formerly Invitae), Labcorp
Classification: Pathogenic for Spastic paraplegia. Last evaluated: 2024-04-17. Review status: criteria provided, single submitter. Criteria: Invitae Variant Classification Sherloc (09022015). Collection method: clinical testing. Allele origin: germline.
Comment: This sequence change creates a premature translational stop signal (p.His1768Thrfs*46) in the SACS gene. While this is not anticipated to result in nonsense mediated decay, it is expected to disrupt the last 2812 amino acid(s) of the SACS protein. This variant is not present in population databases (gnomAD no frequency). This variant has not been reported in the literature in individuals affected with SACS-related conditions. ClinVar contains an entry for this variant (Variation ID: 2023467). This variant disrupts a region of the SACS protein in which other variant(s) (p.N4549D) have been determined to be pathogenic (PMID: 15156359, 21507954). This suggests that this is a clinically significant region of the protein, and that variants that disrupt it are likely to be disease-causing. For these reasons, this variant has been classified as Pathogenic.

Literature cited by the submitters: PubMed 15156359; PubMed 21507954.